The following is an entry in ClinVar:

ClinVar aggregate classification (germline): Uncertain significance (1 of 4 stars; one submission).

gnomAD v4.1: 3 of 1,613,510 alleles (0.00019%); highest among the groups gnomAD compares: Admixed American, 0.0017%; no homozygotes.

Submission:

GeneDx
Classification: Uncertain significance. Last evaluated: 2024-05-30. Review status: criteria provided, single submitter. Criteria: GeneDx Variant Classification Process June 2021. Collection method: clinical testing. Allele origin: germline. Affected: yes.
Comment: Not observed at significant frequency in large population cohorts (gnomAD); Missense variant in a gene in which most reported pathogenic variants are truncating/loss of function; Has not been previously published as pathogenic or benign to our knowledge

NM_001267550.2(TTN):c.59516G>A (p.Gly19839Asp)

Genes: TTN (titin; minus strand), TTN-AS1 (TTN antisense RNA 1; plus strand), LOC126806424 (CDK7 strongly-dependent group 2 enhancer GRCh37_chr2:179456337-179457536; plus strand). Cytogenetic location: 2q31.2.
Variant type: single nucleotide variant.
Coding change: c.59516G>A on transcript NM_001267550.2 (MANE Select); coding-DNA position 59516, G replaced by A.
Protein change: p.Gly19839Asp; replaces glycine 19839 with aspartic acid.
Molecular consequence: missense variant.
Genome position (GRCh38, 1-based): chr2:178,592,489, C>T on the plus strand (G>A on the coding strand, the complement: TTN is on the minus strand). VCF-style: chr2-178592489-C-T. GRCh37 (hg19) VCF-style: chr2-179457216-C-T.
Other names: c.54593G>A, p.Gly18198Asp (NM_001256850.1); c.32321G>A, p.Gly10774Asp (NM_003319.4); c.51812G>A, p.Gly17271Asp (NM_133378.4); c.32696G>A, p.Gly10899Asp (NM_133432.3); c.32897G>A, p.Gly10966Asp (NM_133437.4); short protein forms G10774D, G10899D, G10966D, G17271D, G18198D, G19839D.
Identifiers: ClinVar variation 3383832 (VCV003383832.1).